The following is an entry in ClinVar:

ClinVar aggregate classification (germline): Uncertain significance. Review status: criteria provided, multiple submitters, no conflicts (2 of 4 stars). 2 submissions from 2 submitters: Uncertain significance (2). Last evaluated 2024-03-13.

Conditions:
Glioma susceptibility 1 (GLM1). Also called: Glioblastoma, somatic. Identifiers: MedGen C2750850, MONDO:0024498, OMIM 137800.
Gastric cancer. Also called: Malignant tumor of stomach; Stomach cancer. Identifiers: MedGen C0024623, MeSH D013274, MONDO:0001056, OMIM 613659, HP:0012126.
Ovarian cancer. Also called: OVARIAN CANCER, SOMATIC. Identifiers: Orphanet 213500, MedGen C1140680, MONDO:0008170, OMIM 167000.
Lung cancer. Also called: Lung cancer, somatic; Malignant tumor of lung. Identifiers: MedGen C0242379, MONDO:0008903, OMIM 211980.
Visceral neuropathy, familial, 2, autosomal recessive. Identifiers: MedGen C5561950, MONDO:0030399, OMIM 619465.

Allele frequency attached by ClinVar (database versions not stated): gnomAD exomes 0.00001 and 0.00002; ExAC 0.00002; gnomAD 0.00002 and 0.00003; TOPMed 0.00003; 1000 Genomes Project 30x 0.00016; 1000 Genomes Project 0.00020.
gnomAD v4.1: 10 of 1,612,244 alleles (0.00062%); highest among the groups gnomAD compares: East Asian, 0.016%; no homozygotes.

Submissions (2):

Fulgent Genetics
Classification: Uncertain significance for Glioma susceptibility 1; Ovarian cancer; Lung cancer; Gastric cancer; Visceral neuropathy, familial, 2, autosomal recessive. Last evaluated: 2024-03-13. Review status: criteria provided, single submitter. Criteria: ACMG Guidelines, 2015. Collection method: clinical testing. Allele origin: germline.

Labcorp Genetics (formerly Invitae), Labcorp
Classification: Uncertain significance. Last evaluated: 2023-07-07. Review status: criteria provided, single submitter. Criteria: Invitae Variant Classification Sherloc (09022015). Collection method: clinical testing. Allele origin: germline.
Comment: This sequence change replaces histidine, which is basic and polar, with arginine, which is basic and polar, at codon 470 of the ERBB2 protein (p.His470Arg). This variant is present in population databases (rs201097345, gnomAD 0.03%). This variant has not been reported in the literature in individuals affected with ERBB2-related conditions. ClinVar contains an entry for this variant (Variation ID: 1432121). Advanced modeling of protein sequence and biophysical properties (such as structural, functional, and spatial information, amino acid conservation, physicochemical variation, residue mobility, and thermodynamic stability) performed at Invitae indicates that this missense variant is not expected to disrupt ERBB2 protein function. In summary, the available evidence is currently insufficient to determine the role of this variant in disease. Therefore, it has been classified as a Variant of Uncertain Significance.

NM_004448.4(ERBB2):c.1409A>G (p.His470Arg)

Gene: ERBB2 (erb-b2 receptor tyrosine kinase 2; plus strand). Cytogenetic location: 17q12.
Variant type: single nucleotide variant.
Coding change: c.1409A>G on transcript NM_004448.4 (MANE Select); coding-DNA position 1409, A replaced by G.
Protein change: p.His470Arg; replaces histidine 470 with arginine.
Molecular consequence: missense variant. On other transcripts: non-coding transcript variant (1), intron variant (1).
Genome position (GRCh38, 1-based): chr17:39,715,835, A>G. VCF-style: chr17-39715835-A-G. GRCh37 (hg19) VCF-style: chr17-37872088-A-G.
Other names: c.1319A>G, p.His440Arg (NM_001005862.3, NM_001289938.2, NM_001382782.1 and 1 more transcripts); c.1364A>G, p.His455Arg (NM_001289936.2); c.1409A>G, p.His470Arg (NM_001289937.2, NM_001382792.1, NM_001382793.1 and 12 more transcripts); c.1400A>G, p.His467Arg (NM_001382791.1); c.1229A>G, p.His410Arg (NM_001382799.1); c.1526A>G, p.His509Arg (NM_001382784.1, NM_001382786.1); c.1484A>G, p.His495Arg (NM_001382787.1); c.1430A>G, p.His477Arg (NM_001382789.1); and 3 more; short protein forms H440R, H194R, H410R, H455R, H509R, H384R, H467R, H470R.
Identifiers: ClinVar variation 1432121 (VCV001432121.9), dbSNP rs201097345, ClinGen allele CA8533974.